The following is an entry in ClinVar:

NM_005120.3(MED12):c.2926T>G (p.Tyr976Asp)

Gene: MED12 (mediator complex subunit 12; plus strand). Cytogenetic location: Xq13.1.
Variant type: single nucleotide variant.
Coding change: c.2926T>G on transcript NM_005120.3 (MANE Select); coding-DNA position 2926, T replaced by G.
Protein change: p.Tyr976Asp; replaces tyrosine 976 with aspartic acid.
Molecular consequence: missense variant.
Genome position (GRCh38, 1-based): chrX:71,127,412, T>G. VCF-style: chrX-71127412-T-G. GRCh37 (hg19) VCF-style: chrX-70347262-T-G.
Other names: short protein forms Y976D.
Identifiers: ClinVar variation 4888212 (VCV004888212.1).
Genomic context (GRCh38, chrX:71,127,412, plus strand): 5'-AAGCATGGGATGAACCGGTCCGATGGCTCCTCTGCAGAGCGCTGTATCCTTGCTTATCTC[T>G]ATGATCTGTACACCTCCTGTAGCCATTTAAAGAACAAATTTGGGGAGCTCTTCAGGTAAG-3'
Protein context (NP_005111.2, residues 966-986): SAERCILAYL[Tyr976Asp]DLYTSCSHLK

ClinVar aggregate classification (germline): Uncertain significance (1 of 4 stars; one submission).

Submission:

GeneDx
Classification: Uncertain significance. Last evaluated: 2026-03-04. Review status: criteria provided, single submitter. Criteria: GeneDx Variant Classification Process June 2021. Collection method: clinical testing. Allele origin: germline.
Comment: Not observed at significant frequency in large population cohorts (gnomAD); In silico analysis supports that this missense variant has a deleterious effect on protein structure/function; Has not been previously published as pathogenic or benign to our knowledge